The following is an entry in ClinVar:

ClinVar aggregate classification (germline): Uncertain significance (1 of 4 stars; one submission).

Submission:

GeneDx
Classification: Uncertain significance. Last evaluated: 2020-05-04. Review status: criteria provided, single submitter. Criteria: GeneDx Variant Classification Process June 2021. Collection method: clinical testing. Allele origin: germline. Affected: yes.
Comment: Not observed in large population cohorts (Lek et al., 2016); Missense variant in a gene in which most reported pathogenic variants are truncating/loss-of-function; This variant is associated with the following publications: (PMID: 28714951, 25363768)

NM_001267550.2(TTN):c.45197G>C (p.Gly15066Ala)

Genes: TTN (titin; minus strand), LOC126806427 (BRD4-independent group 4 enhancer GRCh37_chr2:179485777-179486976; plus strand). Cytogenetic location: 2q31.2.
Variant type: single nucleotide variant.
Coding change: c.45197G>C on transcript NM_001267550.2 (MANE Select); coding-DNA position 45197, G replaced by C.
Protein change: p.Gly15066Ala; replaces glycine 15066 with alanine.
Molecular consequence: missense variant.
Genome position (GRCh38, 1-based): chr2:178,621,627, C>G on the plus strand (G>C on the coding strand, the complement: TTN is on the minus strand). VCF-style: chr2-178621627-C-G. GRCh37 (hg19) VCF-style: chr2-179486354-C-G.
Other names: c.40274G>C, p.Gly13425Ala (NM_001256850.1); c.18002G>C, p.Gly6001Ala (NM_003319.4); c.37493G>C, p.Gly12498Ala (NM_133378.4); c.18377G>C, p.Gly6126Ala (NM_133432.3); c.18578G>C, p.Gly6193Ala (NM_133437.4); short protein forms G12498A, G13425A, G15066A, G6001A, G6126A, G6193A.
Identifiers: ClinVar variation 1304445 (VCV001304445.2), dbSNP rs746860214, ClinGen allele CA349635644.